The following is an entry in ClinVar:

NM_130839.5(UBE3A):c.772G>A (p.Val258Ile)

Genes: SNHG14 (small nucleolar RNA host gene 14; plus strand), UBE3A (ubiquitin protein ligase E3A; minus strand). Cytogenetic location: 15q11.2.
Variant type: single nucleotide variant.
Coding change: c.772G>A on transcript NM_130839.5 (MANE Select); coding-DNA position 772, G replaced by A.
Protein change: p.Val258Ile; replaces valine 258 with isoleucine.
Molecular consequence: missense variant. On other transcripts: non-coding transcript variant (1), intron variant (2).
Genome position (GRCh38, 1-based): chr15:25,371,402, C>T on the plus strand (G>A on the coding strand, the complement: UBE3A is on the minus strand). VCF-style: chr15-25371402-C-T. GRCh37 (hg19) VCF-style: chr15-25616549-C-T.
Other names: c.781G>A, p.Val261Ile (NM_000462.5); c.772G>A, p.Val258Ile (NM_001354505.1, NM_001354538.2, NM_001354545.2); c.712G>A, p.Val238Ile (NM_001354506.2, NM_001354507.2, NM_001354508.2 and 17 more transcripts); c.595G>A, p.Val199Ile (NM_001354546.2); c.301+4063G>A (NM_001354551.2); c.361+4063G>A (NM_001354550.2); short protein forms V261I, V238I, V199I, V258I.
Identifiers: ClinVar variation 1967077 (VCV001967077.5), dbSNP rs2552191713, ClinGen allele CA391355111.

ClinVar aggregate classification (germline): Uncertain significance (1 of 4 stars; one submission).

Conditions:
Angelman syndrome (AS). Also called: HAPPY PUPPET SYNDROME. Identifiers: Orphanet 72, MedGen C0162635, MONDO:0007113, OMIM 105830. Disease mechanism: loss of function. Inheritance: AS is caused by disruption of maternally imprinted UBE3A located within the 15q11.2-q13 Angelman syndrome/Prader-Willi syndrome (AS/PWS) region., imprinting disorder.

Submission:

Labcorp Genetics (formerly Invitae), Labcorp
Classification: Uncertain significance for Angelman syndrome. Last evaluated: 2023-08-10. Review status: criteria provided, single submitter. Criteria: Invitae Variant Classification Sherloc (09022015). Collection method: clinical testing. Allele origin: germline.
Comment: This sequence change replaces valine, which is neutral and non-polar, with isoleucine, which is neutral and non-polar, at codon 238 of the UBE3A protein (p.Val238Ile). In summary, the available evidence is currently insufficient to determine the role of this variant in disease. Therefore, it has been classified as a Variant of Uncertain Significance. Advanced modeling of protein sequence and biophysical properties (such as structural, functional, and spatial information, amino acid conservation, physicochemical variation, residue mobility, and thermodynamic stability) performed at Invitae indicates that this missense variant is not expected to disrupt UBE3A protein function. ClinVar contains an entry for this variant (Variation ID: 1967077). This variant has not been reported in the literature in individuals affected with UBE3A-related conditions. This variant is not present in population databases (gnomAD no frequency).